The following is an entry in ClinVar:

NM_001918.5(DBT):c.36G>C (p.Arg12Ser)

Gene: DBT (dihydrolipoamide branched chain transacylase E2; minus strand). Cytogenetic location: 1p21.2.
Variant type: single nucleotide variant.
Coding change: c.36G>C on transcript NM_001918.5 (MANE Select); coding-DNA position 36, G replaced by C.
Protein change: p.Arg12Ser; replaces arginine 12 with serine.
Molecular consequence: missense variant. On other transcripts: 5 prime UTR variant (2), non-coding transcript variant (4).
Genome position (GRCh38, 1-based): chr1:100,249,785, C>G on the plus strand (G>C on the coding strand, the complement: DBT is on the minus strand). VCF-style: chr1-100249785-C-G. GRCh37 (hg19) VCF-style: chr1-100715341-C-G.
Other names: c.-695G>C (NM_001399969.1); c.-568G>C (NM_001399972.1); short protein forms R12S.
Identifiers: ClinVar variation 2143942 (VCV002143942.2), dbSNP rs147775797, ClinGen allele CA969860.

ClinVar aggregate classification (germline): Uncertain significance. Review status: criteria provided, multiple submitters, no conflicts (2 of 4 stars). 2 submissions from 2 submitters: Uncertain significance (2). Last evaluated 2022-07-05.

Conditions:
Maple syrup urine disease (MSUD). Identifiers: Orphanet 511, MedGen C0024776, MeSH D008375, MONDO:0009563. Disease mechanism: loss of function.

Allele frequency attached by ClinVar (database versions not stated): ExAC 0.00002; gnomAD 0.00005; TOPMed 0.00007; ESP Exome Variant Server 0.00008.
gnomAD v4.1: 18 of 1,614,112 alleles (0.0011%); highest among the groups gnomAD compares: African/African-American, 0.021%; no homozygotes.

Submissions (2):

Labcorp Genetics (formerly Invitae), Labcorp
Classification: Uncertain significance for Maple syrup urine disease. Last evaluated: 2022-07-05. Review status: criteria provided, single submitter. Criteria: Invitae Variant Classification Sherloc (09022015). Collection method: clinical testing. Allele origin: germline.
Comment: This sequence change replaces arginine, which is basic and polar, with serine, which is neutral and polar, at codon 12 of the DBT protein (p.Arg12Ser). This variant is present in population databases (rs147775797, gnomAD 0.02%). This variant has not been reported in the literature in individuals affected with DBT-related conditions. Advanced modeling of protein sequence and biophysical properties (such as structural, functional, and spatial information, amino acid conservation, physicochemical variation, residue mobility, and thermodynamic stability) performed at Invitae indicates that this missense variant is not expected to disrupt DBT protein function. In summary, the available evidence is currently insufficient to determine the role of this variant in disease. Therefore, it has been classified as a Variant of Uncertain Significance.

Breakthrough Genomics
Classification: Uncertain significance. Review status: criteria provided, single submitter. Criteria: ACMG Guidelines, 2015. Collection method: not provided. Allele origin: germline. Inheritance: Autosomal recessive inheritance. Affected: yes.